The following is an entry in ClinVar:

NM_000486.6(AQP2):c.523G>A (p.Gly175Arg)

Genes: AQP2 (aquaporin 2; plus strand), AQP5-AS1 (AQP5 and AQP2 antisense RNA 2; minus strand). Cytogenetic location: 12q13.12.
Variant type: single nucleotide variant.
Coding change: c.523G>A on transcript NM_000486.6 (MANE Select); coding-DNA position 523, G replaced by A.
Protein change: p.Gly175Arg; replaces glycine 175 with arginine.
Molecular consequence: missense variant. On other transcripts: non-coding transcript variant (1).
Genome position (GRCh38, 1-based): chr12:49,954,317, G>A. VCF-style: chr12-49954317-G-A. GRCh37 (hg19) VCF-style: chr12-50348100-G-A.
Other names: c.523G>A (NM_000486.5); short protein forms G175R.
Identifiers: ClinVar variation 17835 (VCV000017835.4), dbSNP rs104894335, ClinGen allele CA127476.

ClinVar aggregate classification (germline): Likely pathogenic. Review status: criteria provided, single submitter (1 of 4 stars). 2 submissions from 2 submitters: Likely pathogenic (1). 1 of the submissions does not count toward it. Last evaluated 2025-01-03.

Conditions:
Nephrogenic diabetes insipidus. Identifiers: Orphanet 223, MedGen C0162283, MONDO:0016383, HP:0009806.
Diabetes insipidus, nephrogenic, autosomal (NDI2). Also called: Nephrogenic Diabetes Insipidus, Type II; Diabetes insipidus, nephrogenic, 2, autosomal. Identifiers: Orphanet 223, MedGen C1563706, MONDO:0007451, OMIM 125800.

Submissions (2):

Natera, Inc.
Classification: Likely pathogenic for Nephrogenic diabetes insipidus. Last evaluated: 2025-01-03. Review status: criteria provided, single submitter. Criteria: Natera Variant Classification Schema (03/2026). Collection method: clinical testing. Allele origin: germline.
Comment: The c.523G>A variant in AQP2 is a missense variant predicted to cause substitution of glycine to arginine at amino acid 175. This variant is rare in the general population with a frequency below the threshold expected for the associated phenotype(s). This variant has been observed in one or more individuals affected with the associated recessive disease, as either homozygous or compound heterozygous with a second variant (PMID: 9745427, 26920127). Functional studies show that this variant may disrupt protein function (PMID: 9745427). Computational prediction algorithms indicate this variant is likely to affect gene or protein function. Given the available evidence, this variant is classified as Likely Pathogenic.

OMIM
Classification: Pathogenic for DIABETES INSIPIDUS, NEPHROGENIC, 2, AUTOSOMAL RECESSIVE. Last evaluated: 1998-09-01. Review status: no assertion criteria provided. Collection method: literature only. Allele origin: germline. Not counted in ClinVar's aggregate classification.

Literature cited by the submitters: PubMed 9745427 (cited by Natera, Inc. and OMIM); PubMed 26920127 (cited by Natera, Inc.).